The following is an entry in ClinVar:

ClinVar aggregate classification (germline): Likely pathogenic (1 of 4 stars; one submission).

Conditions:
Alzheimer disease 9. Also called: ALZHEIMER DISEASE 9, SUSCEPTIBILITY TO; ALZHEIMER DISEASE 9, LATE-ONSET. Identifiers: MedGen C4282179, MONDO:0012153, OMIM 608907.

Submission:

Variantyx, Inc.
Classification: Likely pathogenic for Alzheimer disease 9. Last evaluated: 2025-04-04. Review status: criteria provided, single submitter. Criteria: Variantyx Assertion Criteria 2022. Collection method: clinical testing. Allele origin: germline. Inheritance: Autosomal dominant inheritance. Affected: yes.
Comment: This is a frameshift variant in the ABCA7 gene (OMIM: 605414). Pathogenic variants in this gene have been associated with autosomal dominant susceptibility to Alzheimer disease 9. This variant introduces a premature termination codon in exon 28 out of 47 and is expected to result in loss of function, which is a known disease mechanism for ABCA7 in this disorder (PMID: 28447221, 25807283) (PVS1). This variant is absent from control populations (PM2). Based on the current evidence, this variant is classified as likely pathogenic for autosomal dominant susceptibility to Alzheimer disease 9.

Literature cited by the submitters: PubMed 28447221; PubMed 25807283.

NM_019112.4(ABCA7):c.3733_3734dup (p.Pro1246fs)

Gene: ABCA7 (ATP binding cassette subfamily A member 7; plus strand). Cytogenetic location: 19p13.3.
Variant type: Duplication.
Coding change: c.3733_3734dup on transcript NM_019112.4 (MANE Select); coding-DNA positions 3733 to 3734, 2 bases duplicated (CT; older notation c.3733_3734dupCT).
Protein change: p.Pro1246fs; shifts the reading frame from proline 1246.
Molecular consequence: frameshift variant.
Genome position (GRCh38, 1-based): chr19:1,054,576-1,054,577, CT duplicated. VCF-style (leftmost placement, unchanged base first): chr19-1054575-G-GCT. GRCh37 (hg19) VCF-style: chr19-1054574-G-GCT.
Other names: short protein forms P1246fs.
Identifiers: ClinVar variation 4850748 (VCV004850748.1).